The following is an entry in ClinVar:

NM_001098484.3(SLC4A4):c.*989T>A

Gene: SLC4A4 (solute carrier family 4 member 4; plus strand). Cytogenetic location: 4q13.3.
Variant type: single nucleotide variant.
Coding change: c.*989T>A on transcript NM_001098484.3 (MANE Select); 989 bases downstream of the stop codon, T replaced by A.
Molecular consequence: 3 prime UTR variant.
Genome position (GRCh38, 1-based): chr4:71,568,740, T>A. VCF-style: chr4-71568740-T-A. GRCh37 (hg19) VCF-style: chr4-72434457-T-A.
Other names: c.*847T>A (NM_001134742.2); c.*989T>A (NM_003759.4).
Identifiers: ClinVar variation 349572 (VCV000349572.6), dbSNP rs34921070, ClinGen allele CA10619155.
Genomic context (GRCh38, chr4:71,568,740, plus strand): 5'-CATAGTTTTGAGTAGTTCTACCTCTTATTTGTAGCTGCCAGGCTTTCTGTAAAAATTGTA[T>A]TGTATATAATGTGATTTTTACACATACATACACACACAAATACACAATCTCTAGGGTAAG-3'

ClinVar aggregate classification (germline): Benign. Review status: criteria provided, multiple submitters, no conflicts (2 of 4 stars). 2 submissions from 2 submitters: Benign (2). Last evaluated 2018-01-13.

Conditions:
Autosomal recessive proximal renal tubular acidosis (PRTAO). Also called: RTA, PROXIMAL, AUTOSOMAL RECESSIVE; RENAL TUBULAR ACIDOSIS, PROXIMAL, WITH OCULAR ABNORMALITIES AND MENTAL RETARDATION; RENAL TUBULAR ACIDOSIS, PROXIMAL, WITH OCULAR ABNORMALITIES AND IMPAIRED INTELLECTUAL DEVELOPMENT; PROXIMAL RENAL TUBULAR ACIDOSIS-OCULAR ANOMALY SYNDROME. Identifiers: Orphanet 93607, MedGen C1970309, MONDO:0011422, OMIM 604278.

Allele frequency attached by ClinVar (database versions not stated): 1000 Genomes Project 0.02855; 1000 Genomes Project 30x 0.02873; TOPMed 0.05229; gnomAD exomes 0.09579.
gnomAD v4.1: 8,927 of 152,236 alleles (5.9%); highest among the groups gnomAD compares: Non-Finnish European, 8.9%; 383 homozygotes.

Submissions (2):

Illumina Laboratory Services, Illumina
Classification: Benign for Autosomal recessive proximal renal tubular acidosis. Last evaluated: 2018-01-13. Review status: criteria provided, single submitter. Criteria: ICSL Variant Classification Criteria 13 December 2019. Collection method: clinical testing. Allele origin: germline.
Comment: This variant was observed in the ICSL laboratory as part of a predisposition screen in an ostensibly healthy population. It had not been previously curated by ICSL or reported in the Human Gene Mutation Database (HGMD: prior to June 1st, 2018), and was therefore a candidate for classification through an automated scoring system. Utilizing variant allele frequency, disease prevalence and penetrance estimates, and inheritance mode, an automated score was calculated to assess if this variant is too frequent to cause the disease. Based on the score and internal cut-off values, a variant classified as benign is not then subjected to further curation. The score for this variant resulted in a classification of benign for this disease.

Breakthrough Genomics
Classification: Benign. Review status: criteria provided, single submitter. Criteria: ACMG Guidelines, 2015. Collection method: not provided. Allele origin: germline. Inheritance: Autosomal recessive inheritance. Affected: yes.